The following is an entry in ClinVar:

NM_020533.3(MCOLN1):c.95dup (p.Pro33fs)

Gene: MCOLN1 (mucolipin TRP cation channel 1; plus strand). Cytogenetic location: 19p13.2.
Variant type: Duplication.
Coding change: c.95dup on transcript NM_020533.3 (MANE Select); coding-DNA position 95, one base duplicated (C; older notation c.95dupC).
Protein change: p.Pro33fs; shifts the reading frame from proline 33.
Molecular consequence: frameshift variant.
Genome position (GRCh38, 1-based): chr19:7,525,024, C duplicated; the last of 4 consecutive C bases (chr19:7,525,021-7,525,024); duplicating any one gives the same sequence. VCF-style (leftmost placement, unchanged base first): chr19-7525020-G-GC. GRCh37 (hg19) VCF-style: chr19-7589906-G-GC.
Other names: c.95dupC (NM_020533.2); short protein forms P33fs.
Identifiers: ClinVar variation 1452230 (VCV001452230.7), dbSNP rs2022547761, ClinGen allele CA2573155887.
Genomic context (GRCh38, chr19:7,525,020, plus strand): 5'-GAGACCGAGCGGCTTCTGACCCCCAACCCCGGGTATGGGACCCAGGCGGGGCCTTCACCG[G>GC]CCCCTCCGACACCCCCAGAAGAGGAAGACCTTCGCCGTCGTCTCAAATACTTTTTCATGA-3'

ClinVar aggregate classification (germline): Pathogenic/Likely pathogenic. Review status: criteria provided, multiple submitters, no conflicts (2 of 4 stars). 2 submissions from 2 submitters: Pathogenic (1); Likely pathogenic (1). Last evaluated 2025-12-06.

Conditions:
Mucolipidosis type IV (ML4). Also called: ML IV. Identifiers: Orphanet 578, MedGen C0238286, MONDO:0009653, OMIM 252650.

Submissions (2):

Natera, Inc.
Classification: Likely pathogenic for Mucolipidosis type IV. Last evaluated: 2025-12-06. Review status: criteria provided, single submitter. Criteria: Natera Variant Classification Schema (03/2026). Collection method: clinical testing. Allele origin: germline.
Comment: The c.95dupC variant in MCOLN1 is a frameshift variant predicted to shift the reading frame beginning at codon 33 and leads to a stop codon 55 codons downstream. This variant is expected to result in nonsense mediated decay, truncation, or a dysfunctional protein product. This variant is rare in the general population with a frequency below the threshold expected for the associated phenotype(s). Given the available evidence, this variant is classified as Likely Pathogenic.

Labcorp Genetics (formerly Invitae), Labcorp
Classification: Pathogenic for Mucolipidosis type IV. Last evaluated: 2021-08-28. Review status: criteria provided, single submitter. Criteria: Invitae Variant Classification Sherloc (09022015). Collection method: clinical testing. Allele origin: germline.
Comment: This variant is not present in population databases (ExAC no frequency). For these reasons, this variant has been classified as Pathogenic. This variant has not been reported in the literature in individuals affected with MCOLN1-related conditions. This sequence change creates a premature translational stop signal (p.Pro33Serfs*55) in the MCOLN1 gene. It is expected to result in an absent or disrupted protein product. Loss-of-function variants in MCOLN1 are known to be pathogenic (PMID: 11030752, 11317355).

Literature cited by the submitters: PubMed 11030752 (cited by Labcorp Genetics (formerly Invitae), Labcorp); PubMed 11317355 (cited by Labcorp Genetics (formerly Invitae), Labcorp).